The following is an entry in ClinVar:

ClinVar aggregate classification (germline): Uncertain significance (1 of 4 stars; one submission).

Conditions:
Koolen-de Vries syndrome (KDVS). Identifiers: Orphanet 96169, MedGen C1864871, MONDO:0012496, OMIM 610443.

Submission:

Labcorp Genetics (formerly Invitae), Labcorp
Classification: Uncertain significance for Koolen-de Vries syndrome. Last evaluated: 2022-04-18. Review status: criteria provided, single submitter. Criteria: Invitae Variant Classification Sherloc (09022015). Collection method: clinical testing. Allele origin: germline.
Comment: In summary, the available evidence is currently insufficient to determine the role of this variant in disease. Therefore, it has been classified as a Variant of Uncertain Significance. Algorithms developed to predict the effect of missense changes on protein structure and function are either unavailable or do not agree on the potential impact of this missense change (SIFT: "Tolerated"; PolyPhen-2: "Possibly Damaging"; Align-GVGD: "Class C0"). This variant has not been reported in the literature in individuals affected with KANSL1-related conditions. This variant is not present in population databases (gnomAD no frequency). This sequence change replaces valine, which is neutral and non-polar, with leucine, which is neutral and non-polar, at codon 589 of the KANSL1 protein (p.Val589Leu).

NM_015443.4(KANSL1):c.1765G>T (p.Val589Leu)

Gene: KANSL1 (KAT8 regulatory NSL complex subunit 1). Cytogenetic location: 17q21.31.
Variant type: single nucleotide variant.
Coding change: c.1765G>T on transcript NM_015443.4 (MANE Select); coding-DNA position 1765, G replaced by T.
Protein change: p.Val589Leu; replaces valine 589 with leucine.
Molecular consequence: missense variant.
Genome position (GRCh38, 1-based): chr17:46,066,620, C>A on the plus strand (G>T on the coding strand, the complement: KANSL1 is on the minus strand). VCF-style: chr17-46066620-C-A. GRCh37 (hg19) VCF-style: chr17-44143986-C-A.
Other names: c.1765G>T, p.Val589Leu (NM_001405856.1, NM_001405857.1, NM_001405858.1 and 14 more transcripts); c.1663G>T, p.Val555Leu (NM_001405859.1, NM_001405860.1, NM_001405861.1 and 1 more transcripts); c.499G>T, p.Val167Leu (NM_001405885.1, NM_001405882.1, NM_001405883.1 and 1 more transcripts); short protein forms V555L, V589L, V167L.
Identifiers: ClinVar variation 2127609 (VCV002127609.4), dbSNP rs1357621164, ClinGen allele CA399986512.